The following is an entry in ClinVar:

NM_004006.3(DMD):c.4424A>C (p.Lys1475Thr)

Gene: DMD (dystrophin; minus strand). Cytogenetic location: Xp21.1.
Variant type: single nucleotide variant.
Coding change: c.4424A>C on transcript NM_004006.3 (MANE Select); coding-DNA position 4424, A replaced by C.
Protein change: p.Lys1475Thr; replaces lysine 1475 with threonine.
Molecular consequence: missense variant.
Genome position (GRCh38, 1-based): chrX:32,389,595, T>G on the plus strand (A>C on the coding strand, the complement: DMD is on the minus strand). VCF-style: chrX-32389595-T-G. GRCh37 (hg19) VCF-style: chrX-32407712-T-G.
Other names: c.4400A>C, p.Lys1467Thr (NM_000109.4); c.4412A>C, p.Lys1471Thr (NM_004009.3); c.4055A>C, p.Lys1352Thr (NM_004010.3); c.401A>C, p.Lys134Thr (NM_004011.4); c.392A>C, p.Lys131Thr (NM_004012.4); short protein forms K131T, K1352T, K1467T, K1471T, K1475T, K134T.
Identifiers: ClinVar variation 2177396 (VCV002177396.3), dbSNP rs1301925090, ClinGen allele CA412663531.
Genomic context (GRCh38, chrX:32,389,595, plus strand): 5'-TGTTCCACACTCTTTGTTTCCAATGCAGGCAAGTGCATCTTCACTTCATCTAAAATCATC[T>G]TACTTTCTTGTAGACGCTGCTCAAAATTGGCTGGTTTCTGGAATAATCGAAACTTCATGG-3'
Protein context (NP_003997.2, residues 1465-1485): ANFEQRLQES[Lys1475Thr]MILDEVKMHL

ClinVar aggregate classification (germline): Uncertain significance. Review status: criteria provided, multiple submitters, no conflicts (2 of 4 stars). 2 submissions from 2 submitters: Uncertain significance (2). Last evaluated 2025-07-09.

Conditions:
Duchenne muscular dystrophy (DMD). Also called: MUSCULAR DYSTROPHY, PSEUDOHYPERTROPHIC PROGRESSIVE, DUCHENNE TYPE; Duchenne Muscular Dystrophy (DMD). Identifiers: Orphanet 98896, MedGen C0013264, MONDO:0010679, OMIM 310200.

Allele frequency attached by ClinVar (database versions not stated): gnomAD exomes below 0.00001; TOPMed 0.00001.
gnomAD v4.1: 1 of 1,211,057 alleles (0.000083%); highest among the groups gnomAD compares: Admixed American, 0.0022%; no homozygotes.

Submissions (2):

Women's Health and Genetics/Laboratory Corporation of America, LabCorp
Classification: Uncertain significance. Last evaluated: 2025-07-09. Review status: criteria provided, single submitter. Criteria: LabCorp Variant Classification Summary - May 2015. Collection method: clinical testing. Allele origin: germline.

Labcorp Genetics (formerly Invitae), Labcorp
Classification: Uncertain significance for Duchenne muscular dystrophy. Last evaluated: 2025-03-26. Review status: criteria provided, single submitter. Criteria: Invitae Variant Classification Sherloc (09022015). Collection method: clinical testing. Allele origin: germline.
Comment: This sequence change replaces lysine, which is basic and polar, with threonine, which is neutral and polar, at codon 1475 of the DMD protein (p.Lys1475Thr). This variant is present in population databases (no rsID available, gnomAD 0.004%). This variant has not been reported in the literature in individuals affected with DMD-related conditions. ClinVar contains an entry for this variant (Variation ID: 2177396). Invitae Evidence Modeling of protein sequence and biophysical properties (such as structural, functional, and spatial information, amino acid conservation, physicochemical variation, residue mobility, and thermodynamic stability) indicates that this missense variant is not expected to disrupt DMD protein function with a negative predictive value of 95%. In summary, the available evidence is currently insufficient to determine the role of this variant in disease. Therefore, it has been classified as a Variant of Uncertain Significance.